The following is an entry in ClinVar:

ClinVar aggregate classification (germline): Pathogenic (1 of 4 stars; one submission).

Submission:

Labcorp Genetics (formerly Invitae), Labcorp
Classification: Pathogenic. Last evaluated: 2024-10-20. Review status: criteria provided, single submitter. Criteria: Invitae Variant Classification Sherloc (09022015). Collection method: clinical testing. Allele origin: germline.
Comment: This sequence change creates a premature translational stop signal (p.Gly70Valfs*56) in the RS1 gene. It is expected to result in an absent or disrupted protein product. Loss-of-function variants in RS1 are known to be pathogenic (PMID: 9618178, 17172462). This variant is not present in population databases (gnomAD no frequency). This variant has not been reported in the literature in individuals affected with RS1-related conditions. For these reasons, this variant has been classified as Pathogenic.

Literature cited by the submitters: PubMed 9618178; PubMed 17172462.

NM_000330.4(RS1):c.209del (p.Gly70fs)

Genes: CDKL5 (cyclin dependent kinase like 5; plus strand), RS1 (retinoschisin 1; minus strand). Cytogenetic location: Xp22.13.
Variant type: Deletion.
Coding change: c.209del on transcript NM_000330.4 (MANE Select); coding-DNA position 209, one base deleted (G; older notation c.209delG).
Protein change: p.Gly70fs; shifts the reading frame from glycine 70.
Molecular consequence: frameshift variant. On other transcripts: intron variant (2).
Genome position (GRCh38, 1-based): chrX:18,647,308, C deleted on the plus strand (G on the coding strand, the reverse complement: RS1 is on the minus strand); the first of 3 consecutive C bases (chrX:18,647,308-18,647,310); deleting any one gives the same sequence. VCF-style (leftmost placement, unchanged base first): chrX-18647307-AC-A. GRCh37 (hg19) VCF-style: chrX-18665427-AC-A.
Other names: c.2797+1220del (NM_003159.3, NM_001037343.2); short protein forms G70fs.
Identifiers: ClinVar variation 3723325 (VCV003723325.2).
Genomic context (GRCh38, chrX:18,647,307, plus strand): 5'-CACATACTGCTCCGGGTTAGAGCAGGTGATCTGGTCCGGTGTGACCTCCCCTGACTCGAA[AC>A]CCAGAGGCTTGTGATATGGGCATTCTGGGAAAGGAAAAAGAATTCACATTCACACATATC-3'